The following is an entry in ClinVar:

NM_001199799.2(ILDR1):c.121A>G (p.Ile41Val)

Gene: ILDR1 (immunoglobulin like domain containing receptor 1; minus strand). Cytogenetic location: 3q13.33.
Variant type: single nucleotide variant.
Coding change: c.121A>G on transcript NM_001199799.2 (MANE Select); coding-DNA position 121, A replaced by G.
Protein change: p.Ile41Val; replaces isoleucine 41 with valine.
Molecular consequence: missense variant.
Genome position (GRCh38, 1-based): chr3:122,007,099, T>C on the plus strand (A>G on the coding strand, the complement: ILDR1 is on the minus strand). VCF-style: chr3-122007099-T-C. GRCh37 (hg19) VCF-style: chr3-121725946-T-C.
Other names: c.121A>G, p.Ile41Val (NM_001199800.2, NM_175924.4); short protein forms I41V.
Identifiers: ClinVar variation 1314695 (VCV001314695.2), dbSNP rs1176734455, ClinGen allele CA354133588.

ClinVar aggregate classification (germline): Uncertain significance (1 of 4 stars; one submission).

Allele frequency attached by ClinVar (database versions not stated): gnomAD 0.00001; TOPMed 0.00001; gnomAD exomes 0.00002 and 0.00004.
gnomAD v4.1: 56 of 1,613,984 alleles (0.0035%); highest among the groups gnomAD compares: Non-Finnish European, 0.0045%; no homozygotes.

Submission:

GeneDx
Classification: Uncertain significance. Last evaluated: 2021-04-13. Review status: criteria provided, single submitter. Criteria: GeneDx Variant Classification Process June 2021. Collection method: clinical testing. Allele origin: germline. Affected: yes.
Comment: Not observed at a significant frequency in large population cohorts (Lek et al., 2016); In silico analysis supports that this missense variant does not alter protein structure/function; Has not been previously published as pathogenic or benign to our knowledge